The following is an entry in ClinVar:

ClinVar aggregate classification (germline): Uncertain significance (3 of 4 stars; one submission).

Conditions:
Creatine transporter deficiency (CCDS1). Also called: Mental retardation , X-linked with seizures, short stature and midface hypoplasia; Mental retardation , X-linked, with creatine transport deficiency; X-linked creatine transporter deficiency; X-linked creatine deficiency syndrome; SLC6A8-Related Creatine Transporter Deficiency; CREATINE TRANSPORTER DEFECT. Identifiers: Orphanet 52503, MedGen C1845862, MONDO:0010305, OMIM 300352.

Allele frequency attached by ClinVar (database versions not stated): ESP Exome Variant Server 0.00009.

Submission:

ClinGen Cerebral Creatine Deficiency Syndromes Variant Curation Expert Panel, ClinGen
Classification: Uncertain significance for Creatine transporter deficiency. Last evaluated: 2024-02-22. Review status: reviewed by expert panel. Criteria: ClinGen_CCDS_ACMG_Specifications_SLC6A8_v1.1. Collection method: curation. Allele origin: germline. Inheritance: X-linked inheritance.
Comment: The NM_005629.4:c.1654G>T variant in SLC6A8 is a missense variant predicted to cause substitution of a leucine for a valine at amino acid position 552 (p.Val552Leu).This variant is absent in gnomAD v2.1.1. (PM2_Supporting), and has a REVEL score of 0.193 which suggest no impact to protein function (BP4). DesRoches et al. evaluated the p.Val552Leu variant for creatine uptake in HeLa cells transiently transfected with the missense variant, this assay measured a reduction of 35% of wild-type, which does not meet the threshold or assay conditions for PS3 as set by the Cerebral Creatine Deficiency VCEP (PMID:25861866). Ferrada et al. followed up the DesRoches study with a creatine uptake assay based on the electrogenicity of the SLC6A8 transport function, where the p.Val552Leu variant was assessed to have a ratio of variant efficacy to wild-type efficacy of 0.87, and was assessed as being wild-type by the publication (Table S3 and 2)(PMID:38070861). Neither publication chose to assay the variant based on its presence in an affected individual (PS3 Not Met). In summary, this variant meets the criteria to be classified as a Variant of Uncertain Significance as specified by the ClinGen Cerebral Creatine Deficiency Syndromes Variant Curation Expert Panel (Specifications Version 1.1.0), PM2_Supporting, BP4. (Classification approved by the ClinGen CCDS VCEP on February 22, 2024).

NM_005629.4(SLC6A8):c.1654G>T (p.Val552Leu)

Gene: SLC6A8 (solute carrier family 6 member 8; plus strand). Cytogenetic location: Xq28.
Variant type: single nucleotide variant.
Coding change: c.1654G>T on transcript NM_005629.4 (MANE Select); coding-DNA position 1654, G replaced by T.
Protein change: p.Val552Leu; replaces valine 552 with leucine.
Molecular consequence: missense variant.
Genome position (GRCh38, 1-based): chrX:153,694,776, G>T. VCF-style: chrX-153694776-G-T. GRCh37 (hg19) VCF-style: chrX-152960231-G-T.
Other names: NM_001142805.2:c.1624G>T; c.1624G>T, p.Val542Leu (NM_001142805.2); c.1309G>T, p.Val437Leu (NM_001142806.1); short protein forms V437L, V542L, V552L.
Identifiers: ClinVar variation 3066424 (VCV003066424.1), dbSNP rs372567920, ClinGen allele CA337220546.